The following is an entry in ClinVar:

ClinVar aggregate classification (germline): Uncertain significance (1 of 4 stars; one submission).

Conditions:
COG5-congenital disorder of glycosylation. Also called: CDG IIi; CONGENITAL DISORDER OF GLYCOSYLATION, TYPE IIi; COG5-CDG. Identifiers: Orphanet 263487, MedGen C3150876, MONDO:0013325, OMIM 613612.

Submission:

Labcorp Genetics (formerly Invitae), Labcorp
Classification: Uncertain significance for COG5-congenital disorder of glycosylation. Last evaluated: 2022-06-04. Review status: criteria provided, single submitter. Criteria: Invitae Variant Classification Sherloc (09022015). Collection method: clinical testing. Allele origin: germline.
Comment: This sequence change replaces glutamic acid, which is acidic and polar, with glycine, which is neutral and non-polar, at codon 223 of the COG5 protein (p.Glu223Gly). This variant is not present in population databases (gnomAD no frequency). This variant has not been reported in the literature in individuals affected with COG5-related conditions. Algorithms developed to predict the effect of missense changes on protein structure and function are either unavailable or do not agree on the potential impact of this missense change (SIFT: "Tolerated"; PolyPhen-2: "Possibly Damaging"; Align-GVGD: "Class C0"). In summary, the available evidence is currently insufficient to determine the role of this variant in disease. Therefore, it has been classified as a Variant of Uncertain Significance.

NM_006348.5(COG5):c.575A>G (p.Glu192Gly)

Gene: COG5 (component of oligomeric golgi complex 5; minus strand). Cytogenetic location: 7q22.3.
Variant type: single nucleotide variant.
Coding change: c.575A>G on transcript NM_006348.5 (MANE Select); coding-DNA position 575, A replaced by G.
Protein change: p.Glu192Gly; replaces glutamic acid 192 with glycine.
Molecular consequence: missense variant. On other transcripts: intron variant (2).
Genome position (GRCh38, 1-based): chr7:107,412,596, T>C on the plus strand (A>G on the coding strand, the complement: COG5 is on the minus strand). VCF-style: chr7-107412596-T-C. GRCh37 (hg19) VCF-style: chr7-107053041-T-C.
Other names: c.575A>G, p.Glu192Gly (NM_001161520.2, NM_001379511.1, NM_001379512.1 and 3 more transcripts); c.235-50486A>G (NM_001379516.1); c.539-114250A>G (NM_001379515.1); short protein forms E192G.
Identifiers: ClinVar variation 2073598 (VCV002073598.4), dbSNP rs2536743706, ClinGen allele CA368939075.